The following is an entry in ClinVar:

ClinVar aggregate classification (germline): Likely pathogenic (1 of 4 stars; one submission).

Conditions:
Microcephaly, normal intelligence and immunodeficiency (NBS). Also called: Microcephaly with normal intelligence immunodeficiency and lymphoreticular malignancies; Nonsyndromal microcephaly autosomal recessive with normal intelligence; Seemanova syndrome 2; SEEMANOVA SYNDROME II; BERLIN BREAKAGE SYNDROME; Immunodeficiency, microcephaly with normal intelligence. Identifiers: Orphanet 647, MedGen C0398791, MONDO:0009623, OMIM 251260.

Submission:

Labcorp Genetics (formerly Invitae), Labcorp
Classification: Likely pathogenic for Microcephaly, normal intelligence and immunodeficiency. Last evaluated: 2021-09-29. Review status: criteria provided, single submitter. Criteria: Invitae Variant Classification Sherloc (09022015). Collection method: clinical testing. Allele origin: germline.
Comment: Donor and acceptor splice site variants typically lead to a loss of protein function (PMID: 16199547), and loss-of-function variants in NBN are known to be pathogenic (PMID: 9590180, 16415040). Algorithms developed to predict the effect of sequence changes on RNA splicing suggest that this variant may disrupt the consensus splice site, but this prediction has not been confirmed by published transcriptional studies. This variant has not been reported in the literature in individuals with NBN-related conditions. This variant is not present in population databases (ExAC no frequency). This sequence change affects a donor splice site in intron 6 of the NBN gene. It is expected to disrupt RNA splicing and likely results in an absent or disrupted protein product. In summary, the currently available evidence indicates that the variant is pathogenic, but additional data are needed to prove that conclusively. Therefore, this variant has been classified as Likely Pathogenic.

Literature cited by the submitters: PubMed 16199547; PubMed 9590180; PubMed 16415040.

NM_002485.5(NBN):c.702+2T>A

Gene: NBN (nibrin; minus strand). Cytogenetic location: 8q21.3.
Variant type: single nucleotide variant.
Coding change: c.702+2T>A on transcript NM_002485.5 (MANE Select); the canonical splice donor site of the intron after coding-DNA position 702, T replaced by A.
Molecular consequence: splice donor variant.
Genome position (GRCh38, 1-based): chr8:89,971,171, A>T on the plus strand (T>A on the coding strand, the complement: NBN is on the minus strand). VCF-style: chr8-89971171-A-T. GRCh37 (hg19) VCF-style: chr8-90983399-A-T.
Other names: c.456+2T>A (NM_001024688.3).
Identifiers: ClinVar variation 1066034 (VCV001066034.7), dbSNP rs1811497703, ClinGen allele CA371658913.